The following is an entry in ClinVar:

NM_002905.5(RDH5):c.466G>T (p.Gly156Cys)

Genes: BLOC1S1-RDH5 (BLOC1S1-RDH5 readthrough; plus strand), RDH5 (retinol dehydrogenase 5; plus strand). Cytogenetic location: 12q13.2.
Variant type: single nucleotide variant.
Coding change: c.466G>T on transcript NM_002905.5 (MANE Select); coding-DNA position 466, G replaced by T.
Protein change: p.Gly156Cys; replaces glycine 156 with cysteine.
Molecular consequence: missense variant. On other transcripts: non-coding transcript variant (1).
Genome position (GRCh38, 1-based): chr12:55,721,844, G>T. VCF-style: chr12-55721844-G-T. GRCh37 (hg19) VCF-style: chr12-56115628-G-T.
Other names: c.466G>T, p.Gly156Cys (NM_001199771.3); short protein forms G156C.
Identifiers: ClinVar variation 1042889 (VCV001042889.10), dbSNP rs1220616311, ClinGen allele CA385200949.

ClinVar aggregate classification (germline): Conflicting classifications of pathogenicity. Review status: criteria provided, conflicting classifications (1 of 4 stars). 3 submissions from 3 submitters: Likely pathogenic (2); Uncertain significance (1). Last evaluated 2025-06-27.

Conditions:
RDH5-related disorder. Also called: RDH5-related condition.
Retinal disorder. Also called: Retinopathy; Retinal disorders; Retinopathies; Retinal Diseases. Identifiers: MedGen C0035309, MONDO:0005283, HP:0000488.

Allele frequency attached by ClinVar (database versions not stated): gnomAD exomes below 0.00001.
gnomAD v4.1: 6 of 1,614,080 alleles (0.00037%); highest among the groups gnomAD compares: South Asian, 0.0066%; no homozygotes.

Submissions (3):

Labcorp Genetics (formerly Invitae), Labcorp
Classification: Uncertain significance. Last evaluated: 2025-06-27. Review status: criteria provided, single submitter. Criteria: Invitae Variant Classification Sherloc (09022015). Collection method: clinical testing. Allele origin: germline.
Comment: This sequence change replaces glycine, which is neutral and non-polar, with cysteine, which is neutral and slightly polar, at codon 156 of the RDH5 protein (p.Gly156Cys). The frequency data for this variant in the population databases is considered unreliable, as metrics indicate poor data quality at this position in the gnomAD database. This variant has not been reported in the literature in individuals affected with RDH5-related conditions. ClinVar contains an entry for this variant (Variation ID: 1042889). Invitae Evidence Modeling of protein sequence and biophysical properties (such as structural, functional, and spatial information, amino acid conservation, physicochemical variation, residue mobility, and thermodynamic stability) has been performed for this missense variant. However, the output from this modeling did not meet the statistical confidence thresholds required to predict the impact of this variant on RDH5 protein function. In summary, the available evidence is currently insufficient to determine the role of this variant in disease. Therefore, it has been classified as a Variant of Uncertain Significance.

North West Genomic Laboratory Hub, Manchester University NHS Foundation Trust
Classification: Likely pathogenic for Retinal disorders. Last evaluated: 2025-01-28. Review status: criteria provided, single submitter. Criteria: ACGS Best Practice Guidelines for Variant Classification in Rare Disease 2024. Collection method: clinical testing. Allele origin: germline. Affected: yes.
Comment: PM3_Supp PM1_Supp PM2_Mod PP3_Supp PP4_Supp

Blueprint Genetics
Classification: Likely pathogenic for RDH5-related disorders. Last evaluated: 2024-11-18. Review status: criteria provided, single submitter. Criteria: ACMG Guidelines, 2015. Collection method: clinical testing. Allele origin: germline. Affected: yes. Observed: 5 variant alleles.